The following is an entry in ClinVar:

NM_000719.7(CACNA1C):c.1706C>T (p.Ala569Val)

Gene: CACNA1C (calcium voltage-gated channel subunit alpha1 C; plus strand). Cytogenetic location: 12p13.33.
Variant type: single nucleotide variant.
Coding change: c.1706C>T on transcript NM_000719.7 (MANE Select); coding-DNA position 1706, C replaced by T.
Protein change: p.Ala569Val; replaces alanine 569 with valine.
Molecular consequence: missense variant.
Genome position (GRCh38, 1-based): chr12:2,567,605, C>T. VCF-style: chr12-2567605-C-T. GRCh37 (hg19) VCF-style: chr12-2676771-C-T.
Other names: c.1706C>T, p.Ala569Val (NM_001167624.3, NM_001167625.2, NM_199460.4 and 18 more transcripts); c.1697C>T, p.Ala566Val (NM_001129844.2); short protein forms A569V, A566V.
Identifiers: ClinVar variation 2986947 (VCV002986947.3), dbSNP rs2512917041, ClinGen allele CA383368827.

ClinVar aggregate classification (germline): Uncertain significance. Review status: criteria provided, multiple submitters, no conflicts (2 of 4 stars). 2 submissions from 2 submitters: Uncertain significance (2). Last evaluated 2026-06-06.

Conditions:
Cardiovascular phenotype. Identifiers: MedGen CN230736.
Long QT syndrome (LQTS). Identifiers: MedGen C0023976, MeSH D008133, MONDO:0002442. Disease mechanism: loss of function. Inheritance: Various modes of inheritance.

Submissions (2):

Ambry Genetics
Classification: Uncertain significance for Cardiovascular phenotype. Last evaluated: 2026-06-06. Review status: criteria provided, single submitter. Criteria: Ambry Variant Classification Scheme 2023. Collection method: clinical testing. Allele origin: germline.
Comment: The p.A569V variant (also known as c.1706C>T), located in coding exon 13 of the CACNA1C gene, results from a C to T substitution at nucleotide position 1706. The alanine at codon 569 is replaced by valine, an amino acid with similar properties. This amino acid position is conserved. In addition, the in silico prediction for this alteration is inconclusive. Based on the available evidence, the clinical significance of this variant remains unclear.

Labcorp Genetics (formerly Invitae), Labcorp
Classification: Uncertain significance for Long QT syndrome. Last evaluated: 2023-11-24. Review status: criteria provided, single submitter. Criteria: Invitae Variant Classification Sherloc (09022015). Collection method: clinical testing. Allele origin: germline.
Comment: This sequence change replaces alanine, which is neutral and non-polar, with valine, which is neutral and non-polar, at codon 569 of the CACNA1C protein (p.Ala569Val). This variant is not present in population databases (gnomAD no frequency). This variant has not been reported in the literature in individuals affected with CACNA1C-related conditions. Advanced modeling of protein sequence and biophysical properties (such as structural, functional, and spatial information, amino acid conservation, physicochemical variation, residue mobility, and thermodynamic stability) performed at Invitae indicates that this missense variant is not expected to disrupt CACNA1C protein function with a negative predictive value of 95%. In summary, the available evidence is currently insufficient to determine the role of this variant in disease. Therefore, it has been classified as a Variant of Uncertain Significance.